The following is an entry in ClinVar:

ClinVar aggregate classification (germline): Uncertain significance. Review status: criteria provided, multiple submitters, no conflicts (2 of 4 stars). 2 submissions from 2 submitters: Uncertain significance (2). Last evaluated 2025-11-26.

Conditions:
Hereditary cancer-predisposing syndrome. Also called: Tumor predisposition; Neoplastic Syndromes, Hereditary; Hereditary neoplastic syndrome; Hereditary Cancer Syndrome. Identifiers: Orphanet 140162, MedGen C0027672, MeSH D009386, MONDO:0015356.
Ataxia-telangiectasia syndrome (AT). Also called: Ataxia-telangiectasia, complementation group D; AT, COMPLEMENTATION GROUP C; ATAXIA-TELANGIECTASIA, COMPLEMENTATION GROUP A; ATAXIA-TELANGIECTASIA, FRESNO VARIANT; Ataxia-telangiectasia; Ataxia telangiectasia (A-T). Identifiers: Orphanet 100, MedGen C0004135, MONDO:0008840, OMIM 208900.

Submissions (2):

Ambry Genetics
Classification: Uncertain significance for Hereditary cancer-predisposing syndrome. Last evaluated: 2025-11-26. Review status: criteria provided, single submitter. Criteria: Ambry Variant Classification Scheme 2023. Collection method: clinical testing. Allele origin: germline.
Comment: The p.A2296T variant (also known as c.6886G>A), located in coding exon 46 of the ATM gene, results from a G to A substitution at nucleotide position 6886. The alanine at codon 2296 is replaced by threonine, an amino acid with similar properties. In an assay testing ATM function, this variant showed a functionally abnormal result (Lee KS et al. Cell, 2025 Sep;188:5081-5099.e27). This amino acid position is highly conserved in available vertebrate species. In addition, this alteration is predicted to be deleterious by in silico analysis. Based on the available evidence, the clinical significance of this variant remains unclear.

Labcorp Genetics (formerly Invitae), Labcorp
Classification: Uncertain significance for Ataxia-telangiectasia syndrome. Last evaluated: 2024-07-19. Review status: criteria provided, single submitter. Criteria: Invitae Variant Classification Sherloc (09022015). Collection method: clinical testing. Allele origin: germline.
Comment: This sequence change replaces alanine, which is neutral and non-polar, with threonine, which is neutral and polar, at codon 2296 of the ATM protein (p.Ala2296Thr). This variant is not present in population databases (gnomAD no frequency). This variant has not been reported in the literature in individuals affected with ATM-related conditions. ClinVar contains an entry for this variant (Variation ID: 938985). An algorithm developed to predict the effect of missense changes on protein structure and function (PolyPhen-2) suggests that this variant is likely to be disruptive. In summary, the available evidence is currently insufficient to determine the role of this variant in disease. Therefore, it has been classified as a Variant of Uncertain Significance.

Literature cited by the submitters: PubMed 40580951 (cited by Ambry Genetics).

NM_000051.4(ATM):c.6886G>A (p.Ala2296Thr)

Genes: ATM (ATM serine/threonine kinase; plus strand), C11orf65 (chromosome 11 open reading frame 65; minus strand). Cytogenetic location: 11q22.3.
Variant type: single nucleotide variant.
Coding change: c.6886G>A on transcript NM_000051.4 (MANE Select); coding-DNA position 6886, G replaced by A.
Protein change: p.Ala2296Thr; replaces alanine 2296 with threonine.
Molecular consequence: missense variant. On other transcripts: intron variant (2).
Genome position (GRCh38, 1-based): chr11:108,326,136, G>A. VCF-style: chr11-108326136-G-A. GRCh37 (hg19) VCF-style: chr11-108196863-G-A.
Other names: c.6886G>A, p.Ala2296Thr (NM_001351834.2); c.641-17065C>T (NM_001330368.2); c.*38+9084C>T (NM_001351110.2); short protein forms A2296T.
Identifiers: ClinVar variation 938985 (VCV000938985.12), dbSNP rs2085656079, ClinGen allele CA382556850.